The following is an entry in ClinVar:

ClinVar aggregate classification (germline): Likely pathogenic (1 of 4 stars; one submission).

Conditions:
Gorlin syndrome. Also called: Basal cell nevus syndrome; Nevoid Basal Cell Carcinoma Syndrome. Identifiers: Orphanet 377, MedGen C0004779, MONDO:0007187.

Submission:

Labcorp Genetics (formerly Invitae), Labcorp
Classification: Likely pathogenic for Gorlin syndrome. Last evaluated: 2020-11-06. Review status: criteria provided, single submitter. Criteria: Invitae Variant Classification Sherloc (09022015). Collection method: clinical testing. Allele origin: germline.
Comment: This sequence change replaces tryptophan with serine at codon 926 of the PTCH1 protein (p.Trp926Ser). The tryptophan residue is highly conserved and there is a large physicochemical difference between tryptophan and serine. This variant is not present in population databases (ExAC no frequency). This variant has been observed in individual(s) with clinical features of basal cell nevus syndrome (PMID: 16088933). Advanced modeling of protein sequence and biophysical properties (such as structural, functional, and spatial information, amino acid conservation, physicochemical variation, residue mobility, and thermodynamic stability) performed at Invitae indicates that this missense variant is expected to disrupt PTCH1 protein function. This variant disrupts the p.Trp926 amino acid residue in PTCH1. Other variant(s) that disrupt this residue have been observed in individuals with PTCH1-related conditions (PMID: 12925203, 31644632), which suggests that this may be a clinically significant amino acid residue. In summary, the currently available evidence indicates that the variant is pathogenic, but additional data are needed to prove that conclusively. Therefore, this variant has been classified as Likely Pathogenic.

Literature cited by the submitters: PubMed 16088933; PubMed 12925203; PubMed 31644632.

NM_000264.5(PTCH1):c.2777G>C (p.Trp926Ser)

Gene: PTCH1 (patched 1; minus strand). Cytogenetic location: 9q22.32.
Variant type: single nucleotide variant.
Coding change: c.2777G>C on transcript NM_000264.5 (MANE Select); coding-DNA position 2777, G replaced by C.
Protein change: p.Trp926Ser; replaces tryptophan 926 with serine.
Molecular consequence: missense variant. On other transcripts: non-coding transcript variant (1).
Genome position (GRCh38, 1-based): chr9:95,459,710, C>G on the plus strand (G>C on the coding strand, the complement: PTCH1 is on the minus strand). VCF-style: chr9-95459710-C-G. GRCh37 (hg19) VCF-style: chr9-98221992-C-G.
Other names: c.2324G>C, p.Trp775Ser (NM_001083607.3, NM_001083604.3, NM_001083605.3 and 1 more transcripts); c.2621G>C, p.Trp874Ser (NM_001354918.2); c.2579G>C, p.Trp860Ser (NM_001083602.3); c.2774G>C, p.Trp925Ser (NM_001083603.3); short protein forms W860S, W874S, W775S, W925S, W926S.
Identifiers: ClinVar variation 1518971 (VCV001518971.8), dbSNP rs2136672063, ClinGen allele CA374113102.
Genomic context (GRCh38, chr9:95,459,710, plus strand): 5'-GGTCGGTGTGGCCGGATGTTGGCCTGGGAGGCAGCATACGCGACGGGGTCGTTGCTGACC[C>G]AAGCCGTCAGGTAGATGTAGAAAGCGCTGGGATTAATGATGCCATCTGCATCCACCAGAC-3'
Protein context (NP_000255.2, residues 916-936): PSAFYIYLTA[Trp926Ser]VSNDPVAYAA